The following is an entry in ClinVar:

NM_053025.4(MYLK):c.*404G>A

Genes: MYLK-AS1 (MYLK antisense RNA 1; plus strand), MYLK (myosin light chain kinase; minus strand). Cytogenetic location: 3q21.1.
Variant type: single nucleotide variant.
Coding change: c.*404G>A on transcript NM_053025.4 (MANE Select); 404 bases downstream of the stop codon, G replaced by A.
Molecular consequence: 3 prime UTR variant.
Genome position (GRCh38, 1-based): chr3:123,613,701, C>T on the plus strand (G>A on the coding strand, the complement: MYLK is on the minus strand). VCF-style: chr3-123613701-C-T. GRCh37 (hg19) VCF-style: chr3-123332548-C-T.
Other names: c.*404G>A (NM_001321309.2, NM_053026.4, NM_053027.4 and 3 more transcripts).
Identifiers: ClinVar variation 902302 (VCV000902302.4), dbSNP rs115391213, ClinGen allele CA82937166.

ClinVar aggregate classification (germline): Likely benign (1 of 4 stars; one submission).

Conditions:
Aortic aneurysm, familial thoracic 7 (AAT7). Also called: AORTIC DISSECTION, FAMILIAL, WITH OR WITHOUT AORTIC ANEURYSM. Identifiers: MedGen C3151077, MONDO:0013418, OMIM 613780.

Allele frequency attached by ClinVar (database versions not stated): gnomAD exomes 0.00032; gnomAD 0.00363 and 0.00380; TOPMed 0.00411; 1000 Genomes Project 0.00579; 1000 Genomes Project 30x 0.00625.
gnomAD v4.1: 582 of 233,872 alleles (0.25%); highest among the groups gnomAD compares: African/African-American, 1.2%; 5 homozygotes.

Submission:

Illumina Laboratory Services, Illumina
Classification: Likely benign for Aortic aneurysm, familial thoracic 7. Last evaluated: 2018-01-13. Review status: criteria provided, single submitter. Criteria: ICSL Variant Classification Criteria 13 December 2019. Collection method: clinical testing. Allele origin: germline.
Comment: This variant was observed in the ICSL laboratory as part of a predisposition screen in an ostensibly healthy population. It had not been previously curated by ICSL or reported in the Human Gene Mutation Database (HGMD: prior to June 1st, 2018), and was therefore a candidate for classification through an automated scoring system. Utilizing variant allele frequency, disease prevalence and penetrance estimates, and inheritance mode, an automated score was calculated to assess if this variant is too frequent to cause the disease. Based on the score and internal cut-off values, a variant classified as likely benign is not then subjected to further curation. The score for this variant resulted in a classification of likely benign for this disease.